The following is an entry in ClinVar:

ClinVar aggregate classification (germline): Conflicting classifications of pathogenicity. Review status: criteria provided, conflicting classifications (1 of 4 stars). 2 submissions from 2 submitters: Uncertain significance (1); Likely benign (1). Last evaluated 2023-08-30.

Conditions:
Inborn genetic diseases. Identifiers: MedGen C0950123, MeSH D030342.

Allele frequency attached by ClinVar (database versions not stated): ExAC 0.00001.
gnomAD v4.1: 19 of 1,614,122 alleles (0.0012%); highest among the groups gnomAD compares: South Asian, 0.02%; no homozygotes.

Submissions (2):

Labcorp Genetics (formerly Invitae), Labcorp
Classification: Uncertain significance. Last evaluated: 2023-08-30. Review status: criteria provided, single submitter. Criteria: Invitae Variant Classification Sherloc (09022015). Collection method: clinical testing. Allele origin: germline.
Comment: In summary, the available evidence is currently insufficient to determine the role of this variant in disease. Therefore, it has been classified as a Variant of Uncertain Significance. Advanced modeling of protein sequence and biophysical properties (such as structural, functional, and spatial information, amino acid conservation, physicochemical variation, residue mobility, and thermodynamic stability) performed at Invitae indicates that this missense variant is not expected to disrupt SMARCA2 protein function. ClinVar contains an entry for this variant (Variation ID: 2533415). This variant has not been reported in the literature in individuals affected with SMARCA2-related conditions. This variant is present in population databases (rs776696051, gnomAD 0.03%). This sequence change replaces leucine, which is neutral and non-polar, with methionine, which is neutral and non-polar, at codon 1383 of the SMARCA2 protein (p.Leu1383Met).

Ambry Genetics
Classification: Likely benign for Inborn genetic diseases. Last evaluated: 2023-04-05. Review status: criteria provided, single submitter. Criteria: Ambry Variant Classification Scheme 2023. Collection method: clinical testing. Allele origin: germline.

NM_003070.5(SMARCA2):c.4147C>A (p.Leu1383Met)

Gene: SMARCA2 (SWI/SNF related BAF chromatin remodeling complex subunit ATPase 2; plus strand). Cytogenetic location: 9p24.3.
Variant type: single nucleotide variant.
Coding change: c.4147C>A on transcript NM_003070.5 (MANE Select); coding-DNA position 4147, C replaced by A.
Protein change: p.Leu1383Met; replaces leucine 1383 with methionine.
Molecular consequence: missense variant.
Genome position (GRCh38, 1-based): chr9:2,161,851, C>A. VCF-style: chr9-2161851-C-A. GRCh37 (hg19) VCF-style: chr9-2161851-C-A.
Other names: c.4147C>A, p.Leu1383Met (NM_001289396.2, NM_139045.4); c.3973C>A, p.Leu1325Met (NM_001289397.2); c.175C>A, p.Leu59Met (NM_001289398.2); c.259C>A, p.Leu87Met (NM_001289399.2); c.265C>A, p.Leu89Met (NM_001289400.2); short protein forms L1383M, L59M, L87M, L1325M, L89M.
Identifiers: ClinVar variation 2533415 (VCV002533415.5), dbSNP rs776696051, ClinGen allele CA4964019.